The following is an entry in ClinVar:

NM_001458.5(FLNC):c.4925C>T (p.Thr1642Ile)

Gene: FLNC (filamin C; plus strand). Cytogenetic location: 7q32.1.
Variant type: single nucleotide variant.
Coding change: c.4925C>T on transcript NM_001458.5 (MANE Select); coding-DNA position 4925, C replaced by T.
Protein change: p.Thr1642Ile; replaces threonine 1642 with isoleucine.
Molecular consequence: missense variant.
Genome position (GRCh38, 1-based): chr7:128,848,980, C>T. VCF-style: chr7-128848980-C-T. GRCh37 (hg19) VCF-style: chr7-128489034-C-T.
Other names: c.4925C>T, p.Thr1642Ile (NM_001127487.2); short protein forms T1642I.
Identifiers: ClinVar variation 539440 (VCV000539440.9), dbSNP rs756074974, ClinGen allele CA4475480.

ClinVar aggregate classification (germline): Uncertain significance (1 of 4 stars; one submission).

Conditions:
Distal myopathy with posterior leg and anterior hand involvement. Also called: WILLIAMS DISTAL MYOPATHY. Identifiers: Orphanet 63273, MedGen C3279722, MONDO:0013550, OMIM 614065.
Myofibrillar myopathy 5. Also called: Filaminopathy (type); FILAMINOPATHY, AUTOSOMAL DOMINANT. Identifiers: Orphanet 171445, MedGen C1836050, MONDO:0012289, OMIM 609524.
Hypertrophic cardiomyopathy 26. Also called: Cardiomyopathy, familial hypertrophic, 26. Identifiers: Orphanet 75249, MedGen C4310749, MONDO:0014883, OMIM 617047.

Allele frequency attached by ClinVar (database versions not stated): gnomAD exomes below 0.00001; ExAC 0.00001.
gnomAD v4.1: 3 of 1,611,150 alleles (0.00019%); highest among the groups gnomAD compares: Non-Finnish European, 0.00017%; no homozygotes.

Submission:

Labcorp Genetics (formerly Invitae), Labcorp
Classification: Uncertain significance for Distal myopathy with posterior leg and anterior hand involvement; Myofibrillar myopathy 5; Hypertrophic cardiomyopathy 26. Last evaluated: 2018-05-22. Review status: criteria provided, single submitter. Criteria: Invitae Variant Classification Sherloc (09022015). Collection method: clinical testing. Allele origin: germline.
Comment: In summary, the available evidence is currently insufficient to determine the role of this variant in disease. Therefore, it has been classified as a Variant of Uncertain Significance. Algorithms developed to predict the effect of missense changes on protein structure and function do not agree on the potential impact of this missense change (SIFT: "Deleterious"; PolyPhen-2: "Probably Damaging"; Align-GVGD: "Class C0"). This variant has not been reported in the literature in individuals with FLNC-related disease. This variant is present in population databases (rs756074974, ExAC 0.002%). This sequence change replaces threonine with isoleucine at codon 1642 of the FLNC protein (p.Thr1642Ile). The threonine residue is highly conserved and there is a moderate physicochemical difference between threonine and isoleucine.